The following is an entry in ClinVar:

NM_003001.5(SDHC):c.431A>C (p.Lys144Thr)

Gene: SDHC (succinate dehydrogenase complex subunit C; plus strand). Cytogenetic location: 1q23.3.
Variant type: single nucleotide variant.
Coding change: c.431A>C on transcript NM_003001.5 (MANE Select); coding-DNA position 431, A replaced by C.
Protein change: p.Lys144Thr; replaces lysine 144 with threonine.
Molecular consequence: missense variant.
Genome position (GRCh38, 1-based): chr1:161,362,354, A>C. VCF-style: chr1-161362354-A-C. GRCh37 (hg19) VCF-style: chr1-161332144-A-C.
Other names: c.267A>C, p.Glu89Asp (NM_001035511.3); c.329A>C, p.Lys110Thr (NM_001035512.3); c.272A>C, p.Lys91Thr (NM_001035513.3); c.165A>C, p.Glu55Asp (NM_001278172.3); c.551A>C, p.Lys184Thr (NM_001407115.1); c.374A>C, p.Lys125Thr (NM_001407116.1); c.368A>C, p.Lys123Thr (NM_001407117.1); c.323A>C, p.Lys108Thr (NM_001407118.1); and 2 more; short protein forms K144T, E55D, K91T, E89D, K110T, E70D, K123T, K184T.
Identifiers: ClinVar variation 232634 (VCV000232634.16), dbSNP rs876659889, ClinGen allele CA10577667.
Genomic context (GRCh38, chr1:161,362,354, plus strand): 5'-GAAATTCCTTTTTTTTTTTTTTGCTTTGTCCACAGATGTGGGACCTAGGAAAAGGCCTGA[A>C]GATTCCCCAGCTATACCAGTCTGGAGTGGTTGTCCTGGTTCTTACTGTGTTGTCCTCTAT-3'
Protein context (NP_002992.1, residues 134-154): HLMWDLGKGL[Lys144Thr]IPQLYQSGVV

ClinVar aggregate classification (germline): Uncertain significance. Review status: criteria provided, multiple submitters, no conflicts (2 of 4 stars). 4 submissions from 4 submitters: Uncertain significance (4). Last evaluated 2025-12-14.

Conditions:
Hereditary cancer-predisposing syndrome. Also called: Neoplastic Syndromes, Hereditary; Hereditary neoplastic syndrome; Hereditary Cancer Syndrome; Tumor predisposition. Identifiers: Orphanet 140162, MedGen C0027672, MeSH D009386, MONDO:0015356.
Gastrointestinal stromal tumor. Also called: Gastrointestinal stromal tumor, somatic; Gastrointestinal stroma tumor. Identifiers: Orphanet 44890, MedGen C0238198, MeSH D046152, MONDO:0011719, OMIM 606764, HP:0100723.
Pheochromocytoma/paraganglioma syndrome 3. Also called: Paragangliomas 3; SDHC-Related Hereditary Paraganglioma-Pheochromocytoma Syndrome (Paragangliomas 3); SDHC-Related Hereditary Paraganglioma-Pheochromocytoma Syndrome; GLOMUS TUMORS, FAMILIAL, 3. Identifiers: Orphanet 29072, MedGen C1854336, MONDO:0011544, OMIM 605373.

Allele frequency attached by ClinVar (database versions not stated): gnomAD exomes 0.00001; TOPMed 0.00001.

Submissions (4):

Labcorp Genetics (formerly Invitae), Labcorp
Classification: Uncertain significance for Pheochromocytoma/paraganglioma syndrome 3; Gastrointestinal stromal tumor. Last evaluated: 2025-12-14. Review status: criteria provided, single submitter. Criteria: Invitae Variant Classification Sherloc (09022015). Collection method: clinical testing. Allele origin: germline.
Comment: This sequence change replaces lysine, which is basic and polar, with threonine, which is neutral and polar, at codon 144 of the SDHC protein (p.Lys144Thr). This variant is present in population databases (no rsID available, gnomAD 0.009%). This variant has not been reported in the literature in individuals affected with SDHC-related conditions. ClinVar contains an entry for this variant (Variation ID: 232634). An algorithm developed to predict the effect of missense changes on protein structure and function outputs the following: PolyPhen-2: "Benign". The threonine amino acid residue is found in multiple mammalian species, which suggests that this missense change does not adversely affect protein function. In summary, the available evidence is currently insufficient to determine the role of this variant in disease. Therefore, it has been classified as a Variant of Uncertain Significance.

Ambry Genetics
Classification: Uncertain significance for Hereditary cancer-predisposing syndrome. Last evaluated: 2025-07-07. Review status: criteria provided, single submitter. Criteria: Ambry Variant Classification Scheme 2023. Collection method: clinical testing. Allele origin: germline.
Comment: The p.K144T variant (also known as c.431A>C), located in coding exon 6 of the SDHC gene, results from an A to C substitution at nucleotide position 431. The lysine at codon 144 is replaced by threonine, an amino acid with similar properties. This amino acid position is not well conserved in available vertebrate species. In addition, this alteration is predicted to be deleterious by in silico analysis. Since supporting evidence is limited at this time, the clinical significance of this alteration remains unclear.

Baylor Genetics
Classification: Uncertain significance for Gastrointestinal stromal tumor. Last evaluated: 2023-05-05. Review status: criteria provided, single submitter. Criteria: ACMG Guidelines, 2015. Collection method: clinical testing. Allele origin: unknown.

Quest Diagnostics Nichols Institute San Juan Capistrano
Classification: Uncertain significance. Last evaluated: 2023-02-02. Review status: criteria provided, single submitter. Criteria: Quest Diagnostics criteria. Collection method: clinical testing. Allele origin: unknown.
Comment: The variant has not been reported in the published literature. The frequency of this variant in the general population, 0.000087 (3/34560 chromosomes), is uninformative in assessment of its pathogenicity. Analysis of this variant using bioinformatics tools for the prediction of the effect of amino acid changes on protein structure and function yielded predictions that this variant is benign. Based on the available information, we are unable to determine the clinical significance of this variant.